The following is an entry in ClinVar:

NM_001875.5(CPS1):c.3552T>G (p.Asp1184Glu)

Gene: CPS1 (carbamoyl-phosphate synthase 1; plus strand). Cytogenetic location: 2q34.
Variant type: single nucleotide variant.
Coding change: c.3552T>G on transcript NM_001875.5 (MANE Select); coding-DNA position 3552, T replaced by G.
Protein change: p.Asp1184Glu; replaces aspartic acid 1184 with glutamic acid.
Molecular consequence: missense variant. On other transcripts: non-coding transcript variant (2).
Genome position (GRCh38, 1-based): chr2:210,654,096, T>G. VCF-style: chr2-210654096-T-G. GRCh37 (hg19) VCF-style: chr2-211518820-T-G.
Other names: c.3552T>G (NM_001875.4); c.3552T>G, p.Asp1184Glu (NM_001122633.3, NM_001369257.1); c.3585T>G, p.Asp1195Glu (NM_001369256.1); short protein forms D1184E, D1195E.
Identifiers: ClinVar variation 991593 (VCV000991593.5), dbSNP rs769391518, ClinGen allele CA2086980.

ClinVar aggregate classification (germline): Uncertain significance. Review status: criteria provided, multiple submitters, no conflicts (2 of 4 stars). 3 submissions from 3 submitters: Uncertain significance (2). 1 of the submissions does not count toward it. Last evaluated 2026-08-04.

Conditions:
Congenital hyperammonemia, type I. Also called: Carbamoyl-phosphate synthase I deficiency; Carbamoyl phosphate synthetase I deficiency disease; Carbamoyl phosphate synthetase 1 deficiency; Hyperammonemia due to carbamoyl phosphate synthetase 1 deficiency; CPS 1 deficiency; Carbamyl phosphate synthetase (CPS) deficiency. Identifiers: Orphanet 147, MedGen C4082171, MONDO:0009376, OMIM 237300.
CPS1-related disorder. Also called: CPS1-related condition.

Allele frequency attached by ClinVar (database versions not stated): gnomAD exomes below 0.00001; TOPMed below 0.00001; ExAC 0.00001; gnomAD 0.00001.
gnomAD v4.1: 5 of 1,613,796 alleles (0.00031%); highest among the groups gnomAD compares: Non-Finnish European, 0.00042%; no homozygotes.

Submissions (3):

PreventionGenetics, part of Exact Sciences
Classification: Uncertain significance for CPS1-related condition. Last evaluated: 2026-08-04. Review status: criteria provided, single submitter. Criteria: ACMG Guidelines, 2015. Collection method: clinical testing. Allele origin: germline.
Comment: The CPS1 c.3552T>G variant is predicted to result in the amino acid substitution p.Asp1184Glu. To our knowledge, this variant has not been reported in the literature. This variant is reported in 0.00088% of alleles in individuals of European (Non-Finnish) descent in gnomAD. At this time, the clinical significance of this variant is uncertain due to the absence of conclusive functional and genetic evidence.

Labcorp Genetics (formerly Invitae), Labcorp
Classification: Uncertain significance for Congenital hyperammonemia, type I. Last evaluated: 2021-09-17. Review status: criteria provided, single submitter. Criteria: Invitae Variant Classification Sherloc (09022015). Collection method: clinical testing. Allele origin: germline.
Comment: This sequence change replaces aspartic acid with glutamic acid at codon 1184 of the CPS1 protein (p.Asp1184Glu). The aspartic acid residue is weakly conserved and there is a small physicochemical difference between aspartic acid and glutamic acid. This variant is present in population databases (rs769391518, ExAC 0.001%). This variant has not been reported in the literature in individuals affected with CPS1-related conditions. ClinVar contains an entry for this variant (Variation ID: 991593). Algorithms developed to predict the effect of missense changes on protein structure and function output the following: SIFT: "Tolerated"; PolyPhen-2: "Benign"; Align-GVGD: "Class C0". The glutamic acid amino acid residue is found in multiple mammalian species, which suggests that this missense change does not adversely affect protein function. In summary, the available evidence is currently insufficient to determine the role of this variant in disease. Therefore, it has been classified as a Variant of Uncertain Significance.

Natera, Inc.
Classification: Uncertain significance for Carbamoyl-phosphate synthase I deficiency. Last evaluated: 2020-08-13. Review status: no assertion criteria provided. Collection method: clinical testing. Allele origin: germline. Not counted in ClinVar's aggregate classification.